The following is an entry in ClinVar:

NM_000038.6(APC):c.1721A>G (p.Glu574Gly)

Gene: APC (APC regulator of Wnt signaling pathway; plus strand). Cytogenetic location: 5q22.2.
Variant type: single nucleotide variant.
Coding change: c.1721A>G on transcript NM_000038.6 (MANE Select); coding-DNA position 1721, A replaced by G.
Protein change: p.Glu574Gly; replaces glutamic acid 574 with glycine.
Molecular consequence: missense variant.
Genome position (GRCh38, 1-based): chr5:112,828,950, A>G. VCF-style: chr5-112828950-A-G. GRCh37 (hg19) VCF-style: chr5-112164647-A-G.
Other names: c.1721A>G, p.Glu574Gly (NM_001127510.3, NM_001354895.2); c.1667A>G, p.Glu556Gly (NM_001127511.3); c.1775A>G, p.Glu592Gly (NM_001354896.2); c.1751A>G, p.Glu584Gly (NM_001354897.2); c.1646A>G, p.Glu549Gly (NM_001354898.2); c.1637A>G, p.Glu546Gly (NM_001354899.2); c.1598A>G, p.Glu533Gly (NM_001354900.2); c.1544A>G, p.Glu515Gly (NM_001354901.2); and 5 more; short protein forms E574G, E556G, E448G, E473G, E483G, E584G, E592G, E291G.
Identifiers: ClinVar variation 574637 (VCV000574637.9), dbSNP rs1561557875, ClinGen allele CA16025071.

ClinVar aggregate classification (germline): Uncertain significance. Review status: criteria provided, multiple submitters, no conflicts (2 of 4 stars). 2 submissions from 2 submitters: Uncertain significance (2). Last evaluated 2024-10-13.

Conditions:
Familial adenomatous polyposis 1 (FAP1). Also called: POLYPOSIS, ADENOMATOUS INTESTINAL; FAMILIAL ADENOMATOUS POLYPOSIS 1, ATTENUATED. Identifiers: MedGen C2713442, MONDO:0021056, OMIM 175100. Disease mechanism: loss of function.
Hereditary cancer-predisposing syndrome. Also called: Neoplastic Syndromes, Hereditary; Hereditary Cancer Syndrome; Tumor predisposition; Hereditary neoplastic syndrome. Identifiers: Orphanet 140162, MedGen C0027672, MeSH D009386, MONDO:0015356.

Submissions (2):

Ambry Genetics
Classification: Uncertain significance for Hereditary cancer-predisposing syndrome. Last evaluated: 2024-10-13. Review status: criteria provided, single submitter. Criteria: Ambry Variant Classification Scheme 2023. Collection method: clinical testing. Allele origin: germline.
Comment: The p.E574G variant (also known as c.1721A>G), located in coding exon 13 of the APC gene, results from an A to G substitution at nucleotide position 1721. The glutamic acid at codon 574 is replaced by glycine, an amino acid with similar properties. This amino acid position is conserved. In addition, in silico predictors for this gene do not accurately predict pathogenicity. Based on the available evidence, the clinical significance of this variant remains unclear.

Labcorp Genetics (formerly Invitae), Labcorp
Classification: Uncertain significance for Familial adenomatous polyposis 1. Last evaluated: 2023-12-27. Review status: criteria provided, single submitter. Criteria: Invitae Variant Classification Sherloc (09022015). Collection method: clinical testing. Allele origin: germline.
Comment: This sequence change replaces glutamic acid, which is acidic and polar, with glycine, which is neutral and non-polar, at codon 574 of the APC protein (p.Glu574Gly). This variant is not present in population databases (gnomAD no frequency). This variant has not been reported in the literature in individuals affected with APC-related conditions. ClinVar contains an entry for this variant (Variation ID: 574637). Advanced modeling of protein sequence and biophysical properties (such as structural, functional, and spatial information, amino acid conservation, physicochemical variation, residue mobility, and thermodynamic stability) performed at Invitae indicates that this missense variant is not expected to disrupt APC protein function with a negative predictive value of 95%. In summary, the available evidence is currently insufficient to determine the role of this variant in disease. Therefore, it has been classified as a Variant of Uncertain Significance.